The following is an entry in ClinVar:

NM_015512.5(DNAH1):c.581+4C>T

Gene: DNAH1 (dynein axonemal heavy chain 1; plus strand). Cytogenetic location: 3p21.1.
Variant type: single nucleotide variant.
Coding change: c.581+4C>T on transcript NM_015512.5 (MANE Select); 4 bases into the intron after coding-DNA position 581, C replaced by T.
Molecular consequence: intron variant.
Genome position (GRCh38, 1-based): chr3:52,326,318, C>T. VCF-style: chr3-52326318-C-T. GRCh37 (hg19) VCF-style: chr3-52360334-C-T.
Identifiers: ClinVar variation 962906 (VCV000962906.7), dbSNP rs376123460, ClinGen allele CA2432680.

ClinVar aggregate classification (germline): Uncertain significance (1 of 4 stars; one submission).

Conditions:
Spermatogenic failure 18. Identifiers: MedGen C4539783, MONDO:0054615, OMIM 617576.
Ciliary dyskinesia, primary, 37 (CILD37). Also called: CILIARY DYSKINESIA, PRIMARY, 37, WITH OR WITHOUT SITUS INVERSUS. Identifiers: MedGen C4539798, MONDO:0033204, OMIM 617577.

Allele frequency attached by ClinVar (database versions not stated): gnomAD exomes 0.00005 and 0.00011; ExAC 0.00007; TOPMed 0.00011; gnomAD 0.00012 and 0.00013; ESP Exome Variant Server 0.00024.
gnomAD v4.1: 169 of 1,602,340 alleles (0.011%); highest among the groups gnomAD compares: African/African-American, 0.013%; no homozygotes.

Submission:

Labcorp Genetics (formerly Invitae), Labcorp
Classification: Uncertain significance for Ciliary dyskinesia, primary, 37; Spermatogenic failure 18. Last evaluated: 2023-03-04. Review status: criteria provided, single submitter. Criteria: Invitae Variant Classification Sherloc (09022015). Collection method: clinical testing. Allele origin: germline.
Comment: This variant is present in population databases (rs376123460, gnomAD 0.02%). This sequence change falls in intron 4 of the DNAH1 gene. It does not directly change the encoded amino acid sequence of the DNAH1 protein. It affects a nucleotide within the consensus splice site. This variant has not been reported in the literature in individuals affected with DNAH1-related conditions. In summary, the available evidence is currently insufficient to determine the role of this variant in disease. Therefore, it has been classified as a Variant of Uncertain Significance. Variants that disrupt the consensus splice site are a relatively common cause of aberrant splicing (PMID: 17576681, 9536098). Algorithms developed to predict the effect of sequence changes on RNA splicing suggest that this variant is not likely to affect RNA splicing. ClinVar contains an entry for this variant (Variation ID: 962906).

Literature cited by the submitters: PubMed 17576681; PubMed 9536098.